The following is an entry in ClinVar:

NM_000193.4(SHH):c.532A>C (p.Lys178Gln)

Gene: SHH (sonic hedgehog signaling molecule; minus strand). Cytogenetic location: 7q36.3.
Variant type: single nucleotide variant.
Coding change: c.532A>C on transcript NM_000193.4 (MANE Select); coding-DNA position 532, A replaced by C.
Protein change: p.Lys178Gln; replaces lysine 178 with glutamine.
Molecular consequence: missense variant. On other transcripts: non-coding transcript variant (2).
Genome position (GRCh38, 1-based): chr7:155,806,326, T>G on the plus strand (A>C on the coding strand, the complement: SHH is on the minus strand). VCF-style: chr7-155806326-T-G. GRCh37 (hg19) VCF-style: chr7-155599020-T-G.
Other names: c.271A>C, p.Lys91Gln (NM_001310462.2); short protein forms K178Q, K91Q.
Identifiers: ClinVar variation 1391544 (VCV001391544.6), dbSNP rs757178896, ClinGen allele CA4587010.
Genomic context (GRCh38, chr7:155,806,326, plus strand): 5'-GTCGGATCCGGGGGGCCAGGGCCAGCTTACCTGCTTTCACCGAGCAGTGGATATGTGCCT[T>G]GGACTCGTAGTACACCCAGTCGAAGCCGGCCTCCACCGCCAGGCGGGCCAGCATGCCGTA-3'
Protein context (NP_000184.1, residues 168-188): AGFDWVYYES[Lys178Gln]AHIHCSVKAE

ClinVar aggregate classification (germline): Uncertain significance (1 of 4 stars; one submission).

Conditions:
Holoprosencephaly 3 (HPE3). Identifiers: Orphanet 2162, MedGen C1840529, MONDO:0007733, OMIM 142945.

Allele frequency attached by ClinVar (database versions not stated): ExAC 0.00001.

Submission:

Labcorp Genetics (formerly Invitae), Labcorp
Classification: Uncertain significance for Holoprosencephaly 3. Last evaluated: 2023-08-17. Review status: criteria provided, single submitter. Criteria: Invitae Variant Classification Sherloc (09022015). Collection method: clinical testing. Allele origin: germline.
Comment: In summary, the available evidence is currently insufficient to determine the role of this variant in disease. Therefore, it has been classified as a Variant of Uncertain Significance. Advanced modeling of protein sequence and biophysical properties (such as structural, functional, and spatial information, amino acid conservation, physicochemical variation, residue mobility, and thermodynamic stability) performed at Invitae indicates that this missense variant is expected to disrupt SHH protein function. ClinVar contains an entry for this variant (Variation ID: 1391544). This variant has not been reported in the literature in individuals affected with SHH-related conditions. This variant is present in population databases (rs757178896, gnomAD 0.0009%). This sequence change replaces lysine, which is basic and polar, with glutamine, which is neutral and polar, at codon 178 of the SHH protein (p.Lys178Gln).